The following is an entry in ClinVar:

NM_000213.5(ITGB4):c.3865C>T (p.Arg1289Trp)

Genes: GALK1 (galactokinase 1; minus strand), ITGB4 (integrin subunit beta 4; plus strand). Cytogenetic location: 17q25.1.
Variant type: single nucleotide variant.
Coding change: c.3865C>T on transcript NM_000213.5 (MANE Select); coding-DNA position 3865, C replaced by T.
Protein change: p.Arg1289Trp; replaces arginine 1289 with tryptophan.
Molecular consequence: missense variant. On other transcripts: intron variant (1).
Genome position (GRCh38, 1-based): chr17:75,752,245, C>T. VCF-style: chr17-75752245-C-T. GRCh37 (hg19) VCF-style: chr17-73748326-C-T.
Other names: c.3865C>T, p.Arg1289Trp (NM_001005619.2, NM_001005731.3, NM_001321123.2 and 1 more transcripts); c.*23-508G>A (NM_001381985.1); short protein forms R1289W.
Identifiers: ClinVar variation 2086987 (VCV002086987.5), dbSNP rs200409597, ClinGen allele CA294081686.

ClinVar aggregate classification (germline): Uncertain significance. Review status: criteria provided, multiple submitters, no conflicts (2 of 4 stars). 2 submissions from 2 submitters: Uncertain significance (2). Last evaluated 2022-12-05.

Conditions:
Inborn genetic diseases. Identifiers: MedGen C0950123, MeSH D030342.

Allele frequency attached by ClinVar (database versions not stated): gnomAD exomes below 0.00001.
gnomAD v4.1: 3 of 1,613,676 alleles (0.00019%); highest among the groups gnomAD compares: Non-Finnish European, 0.00025%; no homozygotes.

Submissions (2):

Ambry Genetics
Classification: Uncertain significance for Inborn genetic diseases. Last evaluated: 2022-12-05. Review status: criteria provided, single submitter. Criteria: Ambry Variant Classification Scheme 2023. Collection method: clinical testing. Allele origin: germline.

Labcorp Genetics (formerly Invitae), Labcorp
Classification: Uncertain significance. Last evaluated: 2022-05-17. Review status: criteria provided, single submitter. Criteria: Invitae Variant Classification Sherloc (09022015). Collection method: clinical testing. Allele origin: germline.
Comment: In summary, the available evidence is currently insufficient to determine the role of this variant in disease. Therefore, it has been classified as a Variant of Uncertain Significance. Algorithms developed to predict the effect of missense changes on protein structure and function are either unavailable or do not agree on the potential impact of this missense change (SIFT: "Not Available"; PolyPhen-2: "Probably Damaging"; Align-GVGD: "Not Available"). This variant has not been reported in the literature in individuals affected with ITGB4-related conditions. This variant is not present in population databases (gnomAD no frequency). This sequence change replaces arginine, which is basic and polar, with tryptophan, which is neutral and slightly polar, at codon 1289 of the ITGB4 protein (p.Arg1289Trp).